The following is an entry in ClinVar:

NM_005356.5(LCK):c.40A>T (p.Met14Leu)

Gene: LCK (LCK proto-oncogene, Src family tyrosine kinase; plus strand). Cytogenetic location: 1p35.2.
Variant type: single nucleotide variant.
Coding change: c.40A>T on transcript NM_005356.5 (MANE Select); coding-DNA position 40, A replaced by T.
Protein change: p.Met14Leu; replaces methionine 14 with leucine.
Molecular consequence: missense variant.
Genome position (GRCh38, 1-based): chr1:32,274,369, A>T. VCF-style: chr1-32274369-A-T. GRCh37 (hg19) VCF-style: chr1-32739970-A-T.
Other names: c.40A>T, p.Met14Leu (NM_001042771.3, NM_001330468.2); short protein forms M14L.
Identifiers: ClinVar variation 3681702 (VCV003681702.2).

ClinVar aggregate classification (germline): Uncertain significance (1 of 4 stars; one submission).

Conditions:
Severe combined immunodeficiency due to LCK deficiency. Also called: Immunodeficiency 22. Identifiers: Orphanet 280142, MedGen C4014233, MONDO:0014334, OMIM 615758.

Submission:

Labcorp Genetics (formerly Invitae), Labcorp
Classification: Uncertain significance for Severe combined immunodeficiency due to LCK deficiency. Last evaluated: 2024-02-09. Review status: criteria provided, single submitter. Criteria: Invitae Variant Classification Sherloc (09022015). Collection method: clinical testing. Allele origin: germline.
Comment: This sequence change replaces methionine, which is neutral and non-polar, with leucine, which is neutral and non-polar, at codon 14 of the LCK protein (p.Met14Leu). This variant is present in population databases (rs780185907, gnomAD 0.006%). This variant has not been reported in the literature in individuals affected with LCK-related conditions. An algorithm developed to predict the effect of missense changes on protein structure and function (PolyPhen-2) suggests that this variant is likely to be tolerated. In summary, the available evidence is currently insufficient to determine the role of this variant in disease. Therefore, it has been classified as a Variant of Uncertain Significance.